The following is an entry in ClinVar:

ClinVar aggregate classification (germline): Uncertain significance (1 of 4 stars; one submission).

Allele frequency attached by ClinVar (database versions not stated): gnomAD exomes below 0.00001.
gnomAD v4.1: 1 of 1,612,224 alleles (0.000062%); highest among the groups gnomAD compares: Non-Finnish European, 0.000085%; no homozygotes.

Submission:

GeneDx
Classification: Uncertain significance. Last evaluated: 2026-09-15. Review status: criteria provided, single submitter. Criteria: GeneDx Variant Classification Process June 2021. Collection method: clinical testing. Allele origin: germline.
Comment: Not observed at significant frequency in large population cohorts (gnomAD); In silico analysis supports that this missense variant has a deleterious effect on protein structure/function; Has not been previously published as pathogenic or benign to our knowledge

NM_138694.4(PKHD1):c.100G>C (p.Gly34Arg)

Gene: PKHD1 (PKHD1 ciliary IPT domain containing fibrocystin/polyductin; minus strand). Cytogenetic location: 6p12.2.
Variant type: single nucleotide variant.
Coding change: c.100G>C on transcript NM_138694.4 (MANE Select); coding-DNA position 100, G replaced by C.
Protein change: p.Gly34Arg; replaces glycine 34 with arginine.
Molecular consequence: missense variant.
Genome position (GRCh38, 1-based): chr6:52,083,208, C>G on the plus strand (G>C on the coding strand, the complement: PKHD1 is on the minus strand). VCF-style: chr6-52083208-C-G. GRCh37 (hg19) VCF-style: chr6-51948006-C-G.
Other names: c.100G>C, p.Gly34Arg (NM_170724.3); short protein forms G34R.
Identifiers: ClinVar variation 2499266 (VCV002499266.2), dbSNP rs2128244638, ClinGen allele CA364440940.